The following is an entry in ClinVar:

ClinVar aggregate classification (germline): Uncertain significance. Review status: criteria provided, multiple submitters, no conflicts (2 of 4 stars). 4 submissions from 4 submitters: Uncertain significance (4). Last evaluated 2025-10-06.

Conditions:
Inborn genetic diseases. Identifiers: MedGen C0950123, MeSH D030342.
Progressive sclerosing poliodystrophy (MTDPS4A). Also called: ALPERS DIFFUSE DEGENERATION OF CEREBRAL GRAY MATTER WITH HEPATIC CIRRHOSIS; Alpers-Huttenlocher Syndrome; ALPERS PROGRESSIVE INFANTILE POLIODYSTROPHY; NEURONAL DEGENERATION OF CHILDHOOD WITH LIVER DISEASE, PROGRESSIVE; Mitochondrial DNA Depletion Syndrome 4A; Alpers-Huttenlocher Syndrome (AHS). Identifiers: Orphanet 726, MedGen C0205710, MONDO:0008758, OMIM 203700.

Allele frequency attached by ClinVar (database versions not stated): gnomAD 0.00006 and 0.00005; TOPMed 0.00004.

Submissions (4):

Labcorp Genetics (formerly Invitae), Labcorp
Classification: Uncertain significance for Progressive sclerosing poliodystrophy. Last evaluated: 2025-10-06. Review status: criteria provided, single submitter. Criteria: Invitae Variant Classification Sherloc (09022015). Collection method: clinical testing. Allele origin: germline.
Comment: This sequence change replaces glycine, which is neutral and non-polar, with serine, which is neutral and polar, at codon 531 of the POLG protein (p.Gly531Ser). This variant is present in population databases (rs796052904, gnomAD 0.01%). This missense change has been observed in individual(s) with clinical features of POLG-related conditions (internal data). ClinVar contains an entry for this variant (Variation ID: 206598). Invitae Evidence Modeling of protein sequence and biophysical properties (such as structural, functional, and spatial information, amino acid conservation, physicochemical variation, residue mobility, and thermodynamic stability) indicates that this missense variant is expected to disrupt POLG protein function with a positive predictive value of 80%. In summary, the available evidence is currently insufficient to determine the role of this variant in disease. Therefore, it has been classified as a Variant of Uncertain Significance.

Ambry Genetics
Classification: Uncertain significance for Inborn genetic diseases. Last evaluated: 2020-06-04. Review status: criteria provided, single submitter. Criteria: Ambry Variant Classification Scheme 2023. Collection method: clinical testing. Allele origin: germline.
Comment: The p.G531S variant (also known as c.1591G>A), located in coding exon 8 of the POLG gene, results from a G to A substitution at nucleotide position 1591. The glycine at codon 531 is replaced by serine, an amino acid with similar properties. This amino acid position is highly conserved in available vertebrate species. In addition, this alteration is predicted to be deleterious by in silico analysis. Since supporting evidence is limited at this time, the clinical significance of this alteration remains unclear.

Athena Diagnostics
Classification: Uncertain significance. Last evaluated: 2018-09-14. Review status: criteria provided, single submitter. Criteria: Athena Diagnostics Criteria. Collection method: clinical testing. Allele origin: germline.

GeneDx
Classification: Uncertain significance. Last evaluated: 2013-01-11. Review status: criteria provided, single submitter. Criteria: GeneDx Variant Classification (06012015). Collection method: clinical testing. Allele origin: germline. Affected: yes.
Comment: p.Gly531Ser (GGC>AGC): c.1591 G>A in exon 9 of the POLG gene (NM_002693.2). The Gly531Ser missense change has not been published as a mutation, nor has it been reported as a benign polymorphism to our knowledge. The NHLBI ESP Exome Variant Project has not identified Gly531Ser in approximately 6,500 individuals of European or African American ethnicity, indicating that it is not a common benign variant in these populations. The amino acid substitution is non-conservative, as a non-polar Glycine residue is replaced by a polar Serine residue. It alters a highly conserved position in the linker region of the protein, and missense mutations have been reported at nearby residue in association with POLG-related disorders. Some in silico algorithms predict Gly531Ser may be damaging to protein structure/function, although another model suggests it may be benign. Therefore, based on the currently available information, it is unclear whether Gly531Ser is a disease-causing mutation or a rare benign variant. The variant is found in INFANT-EPI panel(s).

NM_002693.3(POLG):c.1591G>A (p.Gly531Ser)

Gene: POLG (DNA polymerase gamma, catalytic subunit; minus strand). Cytogenetic location: 15q26.1.
Variant type: single nucleotide variant.
Coding change: c.1591G>A on transcript NM_002693.3 (MANE Select); coding-DNA position 1591, G replaced by A.
Protein change: p.Gly531Ser; replaces glycine 531 with serine.
Molecular consequence: missense variant.
Genome position (GRCh38, 1-based): chr15:89,326,733, C>T on the plus strand (G>A on the coding strand, the complement: POLG is on the minus strand). VCF-style: chr15-89326733-C-T. GRCh37 (hg19) VCF-style: chr15-89869964-C-T.
Other names: p.G531S:GGC>AGC; c.1591G>A, p.Gly531Ser (NM_001126131.2); short protein forms G531S.
Identifiers: ClinVar variation 206598 (VCV000206598.13), dbSNP rs796052904, ClinGen allele CA316838.
Genomic context (GRCh38, chr15:89,326,733, plus strand): 5'-TCTGCAAGCAGGCGCGGGCCATGACATCTTGTTGAAACTCCTCCTCCTCACTGCAGGGGC[C>T]GAGGTCTGTGAGGGTGGGGGAAGACAATCAGGAGCAGGAGAAGGAACTCTCAATAAGATC-3'
Protein context (NP_002684.1, residues 521-541): PGDPMDQEDL[Gly531Ser]PCSEEEEFQQ